The following is an entry in ClinVar:

ClinVar aggregate classification (germline): Uncertain significance. Review status: criteria provided, multiple submitters, no conflicts (2 of 4 stars). 3 submissions from 3 submitters: Uncertain significance (3). Last evaluated 2025-11-19.

Conditions:
Hereditary cancer-predisposing syndrome. Also called: Hereditary neoplastic syndrome; Neoplastic Syndromes, Hereditary; Tumor predisposition; Hereditary Cancer Syndrome. Identifiers: Orphanet 140162, MedGen C0027672, MeSH D009386, MONDO:0015356.

Submissions (3):

Ambry Genetics
Classification: Uncertain significance for Hereditary cancer-predisposing syndrome. Last evaluated: 2025-11-19. Review status: criteria provided, single submitter. Criteria: Ambry Variant Classification Scheme 2023. Collection method: clinical testing. Allele origin: germline.
Comment: The p.V825L variant (also known as c.2473G>C), located in coding exon 18 of the MSH3 gene, results from a G to C substitution at nucleotide position 2473. The valine at codon 825 is replaced by leucine, an amino acid with highly similar properties. This amino acid position is conserved. In addition, the in silico prediction for this alteration is inconclusive. Since supporting evidence is limited at this time, the clinical significance of this alteration remains unclear.

GeneDx
Classification: Uncertain significance. Last evaluated: 2024-11-13. Review status: criteria provided, single submitter. Criteria: GeneDx Variant Classification Process June 2021. Collection method: clinical testing. Allele origin: germline. Affected: yes.
Comment: Not observed at significant frequency in large population cohorts (gnomAD); In silico analysis indicates that this missense variant does not alter protein structure/function; Has not been previously published as pathogenic or benign to our knowledge

Labcorp Genetics (formerly Invitae), Labcorp
Classification: Uncertain significance. Last evaluated: 2024-04-05. Review status: criteria provided, single submitter. Criteria: Invitae Variant Classification Sherloc (09022015). Collection method: clinical testing. Allele origin: germline.
Comment: This sequence change replaces valine, which is neutral and non-polar, with leucine, which is neutral and non-polar, at codon 825 of the MSH3 protein (p.Val825Leu). This variant is not present in population databases (gnomAD no frequency). This variant has not been reported in the literature in individuals affected with MSH3-related conditions. ClinVar contains an entry for this variant (Variation ID: 835497). An algorithm developed to predict the effect of missense changes on protein structure and function (PolyPhen-2) suggests that this variant is likely to be disruptive. In summary, the available evidence is currently insufficient to determine the role of this variant in disease. Therefore, it has been classified as a Variant of Uncertain Significance.

NM_002439.5(MSH3):c.2473G>C (p.Val825Leu)

Gene: MSH3 (mutS homolog 3; plus strand). Cytogenetic location: 5q14.1.
Variant type: single nucleotide variant.
Coding change: c.2473G>C on transcript NM_002439.5 (MANE Select); coding-DNA position 2473, G replaced by C.
Protein change: p.Val825Leu; replaces valine 825 with leucine.
Molecular consequence: missense variant.
Genome position (GRCh38, 1-based): chr5:80,787,602, G>C. VCF-style: chr5-80787602-G-C. GRCh37 (hg19) VCF-style: chr5-80083421-G-C.
Other names: c.2473G>C (NM_002439.3); short protein forms V825L.
Identifiers: ClinVar variation 835497 (VCV000835497.13), dbSNP rs1217678820, ClinGen allele CA360283133.